The following is an entry in ClinVar:

ClinVar aggregate classification (germline): Uncertain significance. Review status: reviewed by expert panel (3 of 4 stars). 5 submissions from 5 submitters: Uncertain significance (1). 4 of the submissions do not count toward it. Last evaluated 2024-08-01.

Conditions:
Monogenic diabetes. Identifiers: Orphanet 183625, MedGen C3888631, MONDO:0015967.
Maturity-onset diabetes of the young type 3. Also called: MODY type 3; MODY, type III. Identifiers: Orphanet 552, MedGen C1838100, MeSH C563933, MONDO:0010894, OMIM 600496. Disease mechanism: loss of function.
Type 1 diabetes mellitus 20 (T1D20). Also called: Diabetes mellitus, insulin-dependent, 20. Identifiers: MedGen C2675866, MONDO:0012919, OMIM 612520.

gnomAD v4.1: 6 of 1,611,158 alleles (0.00037%); highest among the groups gnomAD compares: East Asian, 0.0067%; no homozygotes.

Submissions (5):

ClinGen Monogenic Diabetes Variant Curation Expert Panel
Classification: Uncertain significance for Monogenic diabetes. Last evaluated: 2024-08-01. Review status: reviewed by expert panel. Criteria: ClinGen Diabetes ACMG Specifications HNF1A V2.1.0. Collection method: curation. Allele origin: germline. Inheritance: Autosomal dominant inheritance.
Comment: The c.1747C>G variant in the e.g. HNF1 homeobox A gene, HNF1A, causes an amino acid change of arginine to glycine at codon 583 (p.(Arg583Gly)) of NM_000545.8. This variant has an incomputable gnomAD v2.1.1 Grpmax filtering allele frequency due to 0 copies in the European non-Finnish subpopulation and 1 copy in the East Asian subpopulation, thereby meeting the ClinGen MDEP threshold criteria for PM2_Supporting (ENF Grpmax FAF <= 0.000003 and <= 2 copies in ENF and <=1 copy in any other subpopulation) (PM2_Supporting). This variant was identified in an individual(s) with diabetes; however, the calculated MODY probability is <50% and HNF4A was not tested (PMID: 9313763). This variant segregated with diabetes with 1 informative meiosis in a single family; however, this does not meet the thresholds for PP1 set by the ClinGen MDEP (PMID: 27236918, 9313763). In summary, c.1747C>G meets the criteria to be classified as a variant of uncertain significance for monogenic diabetes. ACMG/AMP criteria applied, as specified by the ClinGen MDEP (specification version 2.1.0 approved 8/11/2023): PM2_Supporting.

Labcorp Genetics (formerly Invitae), Labcorp
Classification: Uncertain significance. Last evaluated: 2022-08-24. Review status: criteria provided, single submitter. Criteria: Invitae Variant Classification Sherloc (09022015). Collection method: clinical testing. Allele origin: germline. Not counted in ClinVar's aggregate classification.
Comment: Algorithms developed to predict the effect of missense changes on protein structure and function are either unavailable or do not agree on the potential impact of this missense change (SIFT: "Tolerated"; PolyPhen-2: "Possibly Damaging"; Align-GVGD: "Class C0"). This sequence change replaces arginine, which is basic and polar, with glycine, which is neutral and non-polar, at codon 583 of the HNF1A protein (p.Arg583Gly). This variant is present in population databases (rs137853239, gnomAD 0.006%). This missense change has been observed in individuals with diabetes (PMID: 9313763, 11942313, 12355088, 21236713). ClinVar contains an entry for this variant (Variation ID: 14932). In summary, the available evidence is currently insufficient to determine the role of this variant in disease. Therefore, it has been classified as a Variant of Uncertain Significance.

Illumina Laboratory Services, Illumina
Classification: Uncertain significance for Maturity-onset diabetes of the young type 3. Last evaluated: 2018-01-12. Review status: criteria provided, single submitter. Criteria: ICSL Variant Classification Criteria 13 December 2019. Collection method: clinical testing. Allele origin: germline. Not counted in ClinVar's aggregate classification.

Women's Health and Genetics/Laboratory Corporation of America, LabCorp
No classification provided. Condition: Maturity-onset diabetes of the young, type 3. Last evaluated: 2015-10-02. Review status: no classification provided. Collection method: clinical testing. Allele origin: germline. Not counted in ClinVar's aggregate classification.

OMIM
Classification: Pathogenic for TYPE 1 DIABETES MELLITUS 20. Last evaluated: 1997-10-01. Review status: no assertion criteria provided. Collection method: literature only. Allele origin: germline. Not counted in ClinVar's aggregate classification.

Literature cited by the submitters: PubMed 9313763 (cited by Labcorp Genetics (formerly Invitae), Labcorp and OMIM); PubMed 11942313 (cited by Labcorp Genetics (formerly Invitae), Labcorp); PubMed 12355088 (cited by Labcorp Genetics (formerly Invitae), Labcorp); PubMed 21236713 (cited by Labcorp Genetics (formerly Invitae), Labcorp).

NM_000545.8(HNF1A):c.1747C>G (p.Arg583Gly)

Gene: HNF1A (HNF1 homeobox A; plus strand). Cytogenetic location: 12q24.31.
Variant type: single nucleotide variant.
Coding change: c.1747C>G on transcript NM_000545.8 (MANE Select); coding-DNA position 1747, C replaced by G.
Protein change: p.Arg583Gly; replaces arginine 583 with glycine.
Molecular consequence: missense variant.
Genome position (GRCh38, 1-based): chr12:120,999,606, C>G. VCF-style: chr12-120999606-C-G. GRCh37 (hg19) VCF-style: chr12-121437409-C-G.
Other names: NM_000545.8(HNF1A):c.1747C>G; c.1768C>G, p.Arg590Gly (NM_001306179.2); short protein forms R583G, R590G.
Identifiers: ClinVar variation 14932 (VCV000014932.12), dbSNP rs137853239, ClinGen allele CA214665.
Genomic context (GRCh38, chr12:120,999,606, plus strand): 5'-ACCACCCTCCACGTCCCCAGCCAGGACCCTGCCAGCATCCAGCACCTGCAGCCGGCCCAC[C>G]GGCTCAGCGCCAGCCCCACAGGTGAGAGGCCCTGGCTCCACCCCCTCCCTTACTGTCCCT-3'
Protein context (NP_000536.6, residues 573-593): ASIQHLQPAH[Arg583Gly]LSASPTVSSS